The following is an entry in ClinVar:

NM_007332.3(TRPA1):c.380G>A (p.Arg127Gln)

Gene: TRPA1 (transient receptor potential cation channel subfamily A member 1; minus strand). Cytogenetic location: 8q21.11.
Variant type: single nucleotide variant.
Coding change: c.380G>A on transcript NM_007332.3 (MANE Select); coding-DNA position 380, G replaced by A.
Protein change: p.Arg127Gln; replaces arginine 127 with glutamine.
Molecular consequence: missense variant.
Genome position (GRCh38, 1-based): chr8:72,069,087, C>T on the plus strand (G>A on the coding strand, the complement: TRPA1 is on the minus strand). VCF-style: chr8-72069087-C-T. GRCh37 (hg19) VCF-style: chr8-72981322-C-T.
Other names: short protein forms R127Q.
Identifiers: ClinVar variation 3256997 (VCV003256997.17).

ClinVar aggregate classification (germline): Likely benign (1 of 4 stars; one submission).

gnomAD v4.1: 21 of 1,614,028 alleles (0.0013%); highest among the groups gnomAD compares: African/African-American, 0.0027%; no homozygotes.

Submission:

CeGaT Center for Human Genetics Tuebingen
Classification: Likely benign. Last evaluated: 2024-07-01. Review status: criteria provided, single submitter. Criteria: CeGaT Center For Human Genetics Tuebingen Variant Classification Criteria Version 2. Collection method: clinical testing. Allele origin: germline. Affected: yes. Observed: 1 variant allele.
Comment: TRPA1: BP4